The following is an entry in ClinVar:

NM_000218.3(KCNQ1):c.1252G>A (p.Val418Ile)

Gene: KCNQ1 (potassium voltage-gated channel subfamily Q member 1; plus strand). Cytogenetic location: 11p15.5.
Variant type: single nucleotide variant.
Coding change: c.1252G>A on transcript NM_000218.3 (MANE Select); coding-DNA position 1252, G replaced by A.
Protein change: p.Val418Ile; replaces valine 418 with isoleucine.
Molecular consequence: missense variant.
Genome position (GRCh38, 1-based): chr11:2,588,713, G>A. VCF-style: chr11-2588713-G-A. GRCh37 (hg19) VCF-style: chr11-2609943-G-A.
Other names: NM_000218.3(KCNQ1):c.1252G>A; p.Val418Ile; c.1156G>A, p.Val386Ile (NM_001406836.1); c.982G>A, p.Val328Ile (NM_001406837.1); c.712G>A, p.Val238Ile (NM_001406838.1); c.871G>A, p.Val291Ile (NM_181798.2); short protein forms V291I, V418I, V238I, V386I, V328I.
Identifiers: ClinVar variation 927875 (VCV000927875.22), dbSNP rs777347006, ClinGen allele CA028363.

ClinVar aggregate classification (germline): Likely benign. Review status: reviewed by expert panel (3 of 4 stars). 7 submissions from 7 submitters: Likely benign (1). 6 of the submissions do not count toward it. Last evaluated 2025-07-01.

Conditions:
Cardiovascular phenotype. Identifiers: MedGen CN230736.
Cardiac arrhythmia. Also called: Cardiac rhythm disease; Arrhythmia. Identifiers: MedGen C0003811, MONDO:0007263, HP:0011675.
Long QT syndrome (LQTS). Identifiers: MedGen C0023976, MeSH D008133, MONDO:0002442. Disease mechanism: loss of function. Inheritance: Various modes of inheritance.
Long QT syndrome 1 (LQT1). Identifiers: Orphanet 101016, Orphanet 768, MedGen C4551647, MONDO:0100316, OMIM 192500, MONDO:0008646.

Allele frequency attached by ClinVar (database versions not stated): TOPMed 0.00005; ExAC 0.00007; gnomAD 0.00002; gnomAD exomes 0.00002 and 0.00010.
gnomAD v4.1: 31 of 1,613,194 alleles (0.0019%); highest among the groups gnomAD compares: Admixed American, 0.05%; no homozygotes.

Submissions (7):

ClinGen Potassium Channel Arrhythmia Variant Curation Expert Panel, ClinGen
Classification: Likely benign for Long QT syndrome 1. Last evaluated: 2025-07-01. Review status: reviewed by expert panel. Criteria: ClinGen KChannel ACMG Specifications KCNQ1 V1.0.0 2. Collection method: curation. Allele origin: germline. Inheritance: Autosomal dominant inheritance.
Comment: NM_000218.3(KCNQ1):c.1252G>A is a missense variant predicted to cause substitution of valine by isoleucine at amino acid 418 (p.Val418Ile). This variant has not been published in the literature for individuals with prolonged QTc interval. This variant is present in gnomAD v.4.1.0 at a maximum allele frequency of 0.0005001 (30/59992 alleles) in the Admixed American population, which is higher than the ClinGen Potassium Channel Arrhythmia VCEP BS1 threshold of >0.0004 (BS1). This variant does not have available experimental data. The computational predictor REVEL gives a score of 0.587, which is below the ClinGen Potassium Channel Arrhythmia VCEP PP3 threshold of >0.75 but higher than the BP4 threshold of <0.25 and does not strongly predict a damaging effect on KCNQ1 function. The computational splicing predictor SpliceAI gives a score of 0.02 for donor gain, which is lower than the ClinGen Potassium Channel Arrhythmia VCEP PP3 threshold of >0.5 and does not strongly predict a damaging effect on KCNQ1 splicing. In summary, this variant meets the criteria to be classified as likely benign for long QT syndrome 1 based on the ACMG/AMP criteria applied, as specified by the ClinGen Potassium Channel Arrhythmia VCEP: BS1. (VCEP specifications version 1.0.0; date of approval 03/04/2025).

Labcorp Genetics (formerly Invitae), Labcorp
Classification: Likely benign for Long QT syndrome. Last evaluated: 2026-01-13. Review status: criteria provided, single submitter. Criteria: Invitae Variant Classification Sherloc (09022015). Collection method: clinical testing. Allele origin: germline. Not counted in ClinVar's aggregate classification.

Color Diagnostics, LLC DBA Color Health
Classification: Likely benign for Cardiac arrhythmia. Last evaluated: 2025-09-30. Review status: criteria provided, single submitter. Criteria: ACMG Guidelines, 2015. Collection method: clinical testing. Allele origin: germline. Not counted in ClinVar's aggregate classification.

All of Us Research Program, National Institutes of Health
Classification: Uncertain significance for Long QT syndrome. Last evaluated: 2024-08-06. Review status: criteria provided, single submitter. Criteria: ACMG Guidelines, 2015. Collection method: clinical testing. Allele origin: germline. Inheritance: Autosomal dominant inheritance. Observed: 9 variant alleles, 9 heterozygotes. Not counted in ClinVar's aggregate classification.
Comment: This missense variant replaces valine with isoleucine at codon 418 of the KCNQ1 protein. Computational prediction is inconclusive regarding the impact of this variant on protein structure and function (internally defined REVEL score threshold 0.5 < inconclusive < 0.7, PMID: 27666373). Splice site prediction tools suggest that this variant may not impact RNA splicing. To our knowledge, functional studies have not been performed for this variant. This variant has not been reported in individuals affected with cardiovascular disorders in the literature. This variant has been identified in 24/250716 chromosomes (24/34542 Latino chromosomes) in the general population by the Genome Aggregation Database (gnomAD). Although this variant allele frequency is thought to be higher than expected for KCNQ1-related disorders, additional studies are necessary to determine the role of this variant in disease conclusively. Therefore, this variant is classified as a Variant of Uncertain Significance.

This study involves interpretation of variants in research participants for the purpose of population health screening. Participant phenotype was not available at the time of variant classification. Additional details can be found in publication PMID: 35346344, PMCID: PMC8962531

Ambry Genetics
Classification: Benign for Cardiovascular phenotype. Last evaluated: 2023-11-01. Review status: criteria provided, single submitter. Criteria: Ambry Variant Classification Scheme 2023. Collection method: clinical testing. Allele origin: germline. Not counted in ClinVar's aggregate classification.

GeneDx
Classification: Uncertain significance. Last evaluated: 2020-09-16. Review status: criteria provided, single submitter. Criteria: GeneDx Variant Classification Process June 2021. Collection method: clinical testing. Allele origin: germline. Affected: yes. Not counted in ClinVar's aggregate classification.
Comment: Has not been previously published as pathogenic or benign to our knowledge; Reported in ClinVar as a variant of uncertain significance (ClinVar Variant ID# 927875; Landrum et al., 2016); In silico analysis supports that this missense variant does not alter protein structure/function

Blueprint Genetics
Classification: Likely benign. Last evaluated: 2017-09-30. Review status: criteria provided, single submitter. Criteria: ACMG Guidelines, 2015. Collection method: clinical testing. Allele origin: germline. Not counted in ClinVar's aggregate classification.